The following is an entry in ClinVar:

NM_001035.3(RYR2):c.74C>A (p.Thr25Asn)

Gene: RYR2 (ryanodine receptor 2; plus strand). Cytogenetic location: 1q43.
Variant type: single nucleotide variant.
Coding change: c.74C>A on transcript NM_001035.3 (MANE Select); coding-DNA position 74, C replaced by A.
Protein change: p.Thr25Asn; replaces threonine 25 with asparagine.
Molecular consequence: missense variant.
Genome position (GRCh38, 1-based): chr1:237,270,522, C>A. VCF-style: chr1-237270522-C-A. GRCh37 (hg19) VCF-style: chr1-237433822-C-A.
Other names: short protein forms T25N.
Identifiers: ClinVar variation 4757733 (VCV004757733.1).

ClinVar aggregate classification (germline): Uncertain significance (1 of 4 stars; one submission).

Conditions:
Cardiomyopathy (CMYO). Also called: Cardiomyopathies. Identifiers: Orphanet 167848, MedGen C0878544, MONDO:0004994, HP:0001638. Inheritance: Various modes of inheritance.

Submission:

Color Diagnostics, LLC DBA Color Health
Classification: Uncertain significance for Cardiomyopathy. Last evaluated: 2025-07-17. Review status: criteria provided, single submitter. Criteria: ACMG Guidelines, 2015. Collection method: clinical testing. Allele origin: germline.
Comment: This missense variant replaces threonine with asparagine at codon 25 of the RYR2 protein. Computational prediction suggests that this variant may not impact protein structure and function. To our knowledge, functional studies have not been reported for this variant. This variant has not been reported in individuals affected with RYR2-related disorders in the literature. This variant has not been identified in the general population by the Genome Aggregation Database (gnomAD). The available evidence is insufficient to determine the role of this variant in disease conclusively. Therefore, this variant is classified as a Variant of Uncertain Significance.